The following is an entry in ClinVar:

ClinVar aggregate classification (germline): Uncertain significance (1 of 4 stars; one submission).

Conditions:
Aortic valve disease 2 (AOVD2). Identifiers: MedGen C3542024, MONDO:0013902, OMIM 614823.

Submission:

Labcorp Genetics (formerly Invitae), Labcorp
Classification: Uncertain significance for Aortic valve disease 2. Last evaluated: 2023-12-15. Review status: criteria provided, single submitter. Criteria: Invitae Variant Classification Sherloc (09022015). Collection method: clinical testing. Allele origin: germline.
Comment: This sequence change replaces glycine, which is neutral and non-polar, with alanine, which is neutral and non-polar, at codon 54 of the SMAD6 protein (p.Gly54Ala). This variant is not present in population databases (gnomAD no frequency). This variant has not been reported in the literature in individuals affected with SMAD6-related conditions. An algorithm developed to predict the effect of missense changes on protein structure and function (PolyPhen-2) suggests that this variant is likely to be tolerated. In summary, the available evidence is currently insufficient to determine the role of this variant in disease. Therefore, it has been classified as a Variant of Uncertain Significance.

NM_005585.5(SMAD6):c.161G>C (p.Gly54Ala)

Gene: SMAD6 (SMAD family member 6; plus strand). Cytogenetic location: 15q22.31.
Variant type: single nucleotide variant.
Coding change: c.161G>C on transcript NM_005585.5 (MANE Select); coding-DNA position 161, G replaced by C.
Protein change: p.Gly54Ala; replaces glycine 54 with alanine.
Molecular consequence: missense variant. On other transcripts: non-coding transcript variant (1).
Genome position (GRCh38, 1-based): chr15:66,703,419, G>C. VCF-style: chr15-66703419-G-C. GRCh37 (hg19) VCF-style: chr15-66995757-G-C.
Other names: short protein forms G54A.
Identifiers: ClinVar variation 2703427 (VCV002703427.3), dbSNP rs2545310790, ClinGen allele CA392948760.